The following is an entry in ClinVar:

ClinVar aggregate classification (germline): Likely benign (0 of 4 stars; one submission).

Conditions:
COL18A1-related disorder. Also called: COL18A1-related condition; COL18A1-related disorders.

gnomAD v4.1: 57 of 1,533,424 alleles (0.0037%); highest among the groups gnomAD compares: East Asian, 0.017%; no homozygotes.

Submission:

PreventionGenetics, part of Exact Sciences
Classification: Likely benign for COL18A1-related condition. Last evaluated: 2024-08-27. Review status: no assertion criteria provided. Collection method: clinical testing. Allele origin: germline.
Comment: This variant is classified as likely benign based on ACMG/AMP sequence variant interpretation guidelines (Richards et al. 2015 PMID: 25741868, with internal and published modifications).

NM_001379500.1(COL18A1):c.107-11521C>T

Gene: COL18A1 (collagen type XVIII alpha 1 chain; plus strand). Cytogenetic location: 21q22.3.
Variant type: single nucleotide variant.
Coding change: c.107-11521C>T on transcript NM_001379500.1 (MANE Select); 11521 bases into the intron before coding-DNA position 107, C replaced by T.
Molecular consequence: intron variant. On other transcripts: synonymous variant (1).
Genome position (GRCh38, 1-based): chr21:45,456,721, C>T. VCF-style: chr21-45456721-C-T. GRCh37 (hg19) VCF-style: chr21-46876635-C-T.
Other names: c.1191C>T, p.Cys397= (NM_130444.3); c.646+545C>T (NM_030582.4).
Identifiers: ClinVar variation 3352198 (VCV003352198.1).